The following is an entry in ClinVar:

ClinVar aggregate classification (germline): Uncertain significance (1 of 4 stars; one submission).

Conditions:
Emery-Dreifuss muscular dystrophy 4, autosomal dominant (EDMD4). Also called: EMERY-DREIFUSS MUSCULAR DYSTROPHY 4 WITH VARIABLE FEATURES. Identifiers: Orphanet 261, MedGen C2751807, MONDO:0013071, OMIM 612998.
Autosomal recessive ataxia, Beauce type. Also called: SYNE1 Deficiency; Spinocerebellar ataxia, autosomal recessive 8; ATAXIA, RECESSIVE, OF BEAUCE; SYNE1-Related Autosomal Recessive Cerebellar Ataxia. Identifiers: Orphanet 88644, MedGen C1853116, MONDO:0012549, OMIM 610743.

Allele frequency attached by ClinVar (database versions not stated): gnomAD 0.00001; gnomAD exomes 0.00001; ExAC 0.00002.
gnomAD v4.1: 5 of 1,613,964 alleles (0.00031%); highest among the groups gnomAD compares: Admixed American, 0.0083%; no homozygotes.

Submission:

Labcorp Genetics (formerly Invitae), Labcorp
Classification: Uncertain significance for Emery-Dreifuss muscular dystrophy 4, autosomal dominant; Autosomal recessive ataxia, Beauce type. Last evaluated: 2022-07-17. Review status: criteria provided, single submitter. Criteria: Invitae Variant Classification Sherloc (09022015). Collection method: clinical testing. Allele origin: germline.
Comment: This sequence change replaces aspartic acid, which is acidic and polar, with tyrosine, which is neutral and polar, at codon 2148 of the SYNE1 protein (p.Asp2148Tyr). In summary, the available evidence is currently insufficient to determine the role of this variant in disease. Therefore, it has been classified as a Variant of Uncertain Significance. Algorithms developed to predict the effect of missense changes on protein structure and function (SIFT, PolyPhen-2, Align-GVGD) all suggest that this variant is likely to be disruptive. This variant has not been reported in the literature in individuals affected with SYNE1-related conditions. This variant is present in population databases (rs750782371, gnomAD 0.009%).

NM_182961.4(SYNE1):c.6421G>T (p.Asp2141Tyr)

Gene: SYNE1 (spectrin repeat containing nuclear envelope protein 1; minus strand). Cytogenetic location: 6q25.2.
Variant type: single nucleotide variant.
Coding change: c.6421G>T on transcript NM_182961.4 (MANE Select); coding-DNA position 6421, G replaced by T.
Protein change: p.Asp2141Tyr; replaces aspartic acid 2141 with tyrosine.
Molecular consequence: missense variant.
Genome position (GRCh38, 1-based): chr6:152,409,187, C>A on the plus strand (G>T on the coding strand, the complement: SYNE1 is on the minus strand). VCF-style: chr6-152409187-C-A. GRCh37 (hg19) VCF-style: chr6-152730322-C-A.
Other names: c.6442G>T, p.Asp2148Tyr (NM_033071.5); short protein forms D2148Y, D2141Y.
Identifiers: ClinVar variation 2076558 (VCV002076558.2), dbSNP rs750782371, ClinGen allele CA4058071.